The following is an entry in ClinVar:

NM_053025.4(MYLK):c.1535T>C (p.Val512Ala)

Gene: MYLK (myosin light chain kinase; minus strand). Cytogenetic location: 3q21.1.
Variant type: single nucleotide variant.
Coding change: c.1535T>C on transcript NM_053025.4 (MANE Select); coding-DNA position 1535, T replaced by C.
Protein change: p.Val512Ala; replaces valine 512 with alanine.
Molecular consequence: missense variant.
Genome position (GRCh38, 1-based): chr3:123,726,060, A>G on the plus strand (T>C on the coding strand, the complement: MYLK is on the minus strand). VCF-style: chr3-123726060-A-G. GRCh37 (hg19) VCF-style: chr3-123444907-A-G.
Other names: c.1007T>C, p.Val336Ala (NM_001321309.2); c.1328T>C, p.Val443Ala (NM_053026.4, NM_053028.4); c.1535T>C, p.Val512Ala (NM_053027.4); short protein forms V443A, V336A, V512A.
Identifiers: ClinVar variation 5025188 (VCV005025188.1).

ClinVar aggregate classification (germline): Uncertain significance (1 of 4 stars; one submission).

Conditions:
Familial thoracic aortic aneurysm and aortic dissection (TAAD). Also called: Thoracic aortic aneurysms and dissections. Identifiers: Orphanet 91387, MedGen C4707243, MONDO:0019625.

gnomAD v4.1: 5 of 1,614,082 alleles (0.00031%); highest among the groups gnomAD compares: South Asian, 0.0044%; no homozygotes.

Submission:

Ambry Genetics
Classification: Uncertain significance for Familial thoracic aortic aneurysm and aortic dissection. Last evaluated: 2026-09-06. Review status: criteria provided, single submitter. Criteria: Ambry Variant Classification Scheme 2023. Collection method: clinical testing. Allele origin: germline.
Comment: The p.V512A variant (also known as c.1535T>C), located in coding exon 9 of the MYLK gene, results from a T to C substitution at nucleotide position 1535. The valine at codon 512 is replaced by alanine, an amino acid with similar properties. This amino acid position is conserved. In addition, this alteration is predicted to be tolerated by in silico analysis. Based on the available evidence, the clinical significance of this variant remains unclear.